The following is an entry in ClinVar:

NM_020340.5(ARFGEF3):c.4275A>G (p.Arg1425=)

Gene: ARFGEF3 (ARFGEF family member 3; plus strand). Cytogenetic location: 6q24.1.
Variant type: single nucleotide variant.
Coding change: c.4275A>G on transcript NM_020340.5 (MANE Select); coding-DNA position 4275, A replaced by G.
Protein change: p.Arg1425=; no amino-acid change (arginine 1425 retained).
Molecular consequence: synonymous variant.
Genome position (GRCh38, 1-based): chr6:138,313,869, A>G. VCF-style: chr6-138313869-A-G. GRCh37 (hg19) VCF-style: chr6-138635006-A-G.
Identifiers: ClinVar variation 3040972 (VCV003040972.2), dbSNP rs200282090, ClinGen allele CA4021329.

ClinVar aggregate classification (germline): Likely benign (0 of 4 stars; one submission).

Conditions:
ARFGEF3-related disorder. Also called: ARFGEF3-related condition.

Allele frequency attached by ClinVar (database versions not stated): ExAC 0.00003; gnomAD 0.00004; TOPMed 0.00004; gnomAD exomes 0.00005; ESP Exome Variant Server 0.00008; 1000 Genomes Project 30x 0.00016; 1000 Genomes Project 0.00020.
gnomAD v4.1: 79 of 1,613,982 alleles (0.0049%); highest among the groups gnomAD compares: Non-Finnish European, 0.0065%; no homozygotes.

Submission:

PreventionGenetics, part of Exact Sciences
Classification: Likely benign for ARFGEF3-related condition. Last evaluated: 2019-10-28. Review status: no assertion criteria provided. Collection method: clinical testing. Allele origin: germline.
Comment: This variant is classified as likely benign based on ACMG/AMP sequence variant interpretation guidelines (Richards et al. 2015 PMID: 25741868, with internal and published modifications).